The following is an entry in ClinVar:

NM_000540.3(RYR1):c.4875_4879dup (p.Val1627fs)

Gene: RYR1 (ryanodine receptor 1; plus strand). Cytogenetic location: 19q13.2.
Variant type: Duplication.
Coding change: c.4875_4879dup on transcript NM_000540.3 (MANE Select); coding-DNA positions 4875 to 4879, 5 bases duplicated (GGCCG; older notation c.4875_4879dupGGCCG).
Protein change: p.Val1627fs; shifts the reading frame from valine 1627.
Molecular consequence: frameshift variant.
Genome position (GRCh38, 1-based): chr19:38,483,457-38,483,461, GGCCG duplicated; duplicating any 5 consecutive bases within chr19:38,483,456-38,483,461 gives the same sequence; the c. name uses the placement nearest the transcript's 3' end. VCF-style (leftmost placement, unchanged base first): chr19-38483455-T-TGGGCC. GRCh37 (hg19) VCF-style: chr19-38974095-T-TGGGCC.
Other names: c.4875_4879dup, p.Val1627fs (NM_001042723.2); short protein forms V1627fs.
Identifiers: ClinVar variation 1323544 (VCV001323544.5), dbSNP rs758867047, ClinGen allele CA066486.

ClinVar aggregate classification (germline): Conflicting classifications of pathogenicity. Review status: criteria provided, conflicting classifications (1 of 4 stars). 2 submissions from 2 submitters: Pathogenic (1); Uncertain significance (1). Last evaluated 2025-06-04.

Conditions:
Malignant hyperthermia, susceptibility to, 1 (MHS1). Also called: Anesthesia related hyperthermia; Malignant hyperpyrexia; Fulminating hyperpyrexia; Pharmacogenic myopathy; Malignant hyperthermia suceptibility 1; RYR1-Related Malignant Hyperthermia Susceptibility. Identifiers: Orphanet 423, MedGen C2930980, MONDO:0007783, OMIM 145600.

Submissions (2):

Color Diagnostics, LLC DBA Color Health
Classification: Uncertain significance for Malignant hyperthermia, susceptibility to, 1. Last evaluated: 2025-06-04. Review status: criteria provided, single submitter. Criteria: ACMG Guidelines, 2015. Collection method: clinical testing. Allele origin: germline.
Comment: This variant inserts 5 nucleotides in exon 33 of the RYR1 gene, creating a frameshift and premature translation stop signal. This variant is expected to result in an absent or non-functional protein product. To our knowledge, this variant has not been reported in individuals affected with RYR1-related disorders in the literature. This variant has been identified in 1/31316 chromosomes in the general population by the Genome Aggregation Database (gnomAD). Loss of RYR1 function due to truncation variants is not an established disease mechanism for autosomal dominant malignant hyperthermia, although it is associated with other phenotype(s) (ClinVar Variation ID: 1323544). Therefore, this variant is classified as a Variant of Uncertain Significance for autosomal dominant malignant hyperthermia.

Revvity Omics, Revvity
Classification: Pathogenic. Last evaluated: 2020-03-12. Review status: criteria provided, single submitter. Criteria: ACMG Guidelines, 2015. Collection method: clinical testing. Allele origin: germline.